The following is an entry in ClinVar:

ClinVar aggregate classification (germline): Likely benign. Review status: criteria provided, single submitter (1 of 4 stars). 2 submissions from 2 submitters: Likely benign (1). 1 of the submissions does not count toward it. Last evaluated 2023-07-01.

Conditions:
EVI2A-related disorder. Also called: EVI2A-related condition.

Allele frequency attached by ClinVar (database versions not stated): TOPMed 0.00003; gnomAD 0.00007; ESP Exome Variant Server 0.00008.
gnomAD v4.1: 224 of 1,614,106 alleles (0.014%); highest among the groups gnomAD compares: Middle Eastern, 0.4%; 5 homozygotes.

Submissions (2):

CeGaT Center for Human Genetics Tuebingen
Classification: Likely benign. Last evaluated: 2023-07-01. Review status: criteria provided, single submitter. Criteria: CeGaT Center For Human Genetics Tuebingen Variant Classification Criteria Version 2. Collection method: clinical testing. Allele origin: germline. Affected: yes. Observed: 3 variant alleles.
Comment: NF1: BS1

PreventionGenetics, part of Exact Sciences
Classification: Likely benign for EVI2A-related condition. Last evaluated: 2022-12-01. Review status: no assertion criteria provided. Collection method: clinical testing. Allele origin: germline. Not counted in ClinVar's aggregate classification.
Comment: This variant is classified as likely benign based on ACMG/AMP sequence variant interpretation guidelines (Richards et al. 2015 PMID: 25741868, with internal and published modifications).

NM_014210.4(EVI2A):c.300C>A (p.Val100=)

Genes: EVI2A (ecotropic viral integration site 2A; minus strand), NF1 (neurofibromin 1; plus strand), LOC130060656 (ATAC-STARR-seq lymphoblastoid active region 12010; plus strand). Cytogenetic location: 17q11.2.
Variant type: single nucleotide variant.
Coding change: c.300C>A on transcript NM_014210.4 (MANE Select); coding-DNA position 300, C replaced by A.
Protein change: p.Val100=; no amino-acid change (valine 100 retained).
Molecular consequence: synonymous variant. On other transcripts: intron variant (2).
Genome position (GRCh38, 1-based): chr17:31,318,714, G>T on the plus strand (C>A on the coding strand, the complement: EVI2A is on the minus strand). VCF-style: chr17-31318714-G-T. GRCh37 (hg19) VCF-style: chr17-29645732-G-T.
Other names: c.4773-7106G>T (NM_000267.4); c.369C>A, p.Val123= (NM_001003927.3); c.4836-7106G>T (NM_001042492.3).
Identifiers: ClinVar variation 2647638 (VCV002647638.25), dbSNP rs145171817, ClinGen allele CA8486996.